The following is an entry in ClinVar:

ClinVar aggregate classification (germline): Benign. Review status: criteria provided, multiple submitters, no conflicts (2 of 4 stars). 10 submissions from 9 submitters: Benign (9). 1 of the submissions does not count toward it. Last evaluated 2026-02-04.

Conditions:
NOTCH1-related disorder. Also called: NOTCH1-related condition; NOTCH1-related disorders.
Adams-Oliver syndrome 5 (AOS5). Identifiers: Orphanet 974, MedGen C4014970, MONDO:0014459, OMIM 616028.
Familial thoracic aortic aneurysm and aortic dissection (TAAD). Also called: Thoracic aortic aneurysms and dissections. Identifiers: Orphanet 91387, MedGen C4707243, MONDO:0019625.
Aortic valve disease 1 (AOVD1). Identifiers: MedGen C3887892, MONDO:0024523, OMIM 109730.

Allele frequency attached by ClinVar (database versions not stated): gnomAD exomes 0.00145; ExAC 0.00269; ESP Exome Variant Server 0.00517; 1000 Genomes Project 0.00579; gnomAD 0.00594 and 0.00645; 1000 Genomes Project 30x 0.00609; TOPMed 0.00672.
gnomAD v4.1: 1,710 of 1,509,512 alleles (0.11%); highest among the groups gnomAD compares: African/African-American, 2%; 16 homozygotes.

Submissions (10):

Labcorp Genetics (formerly Invitae), Labcorp
Classification: Benign for Adams-Oliver syndrome 5. Last evaluated: 2026-02-04. Review status: criteria provided, single submitter. Criteria: Invitae Variant Classification Sherloc (09022015). Collection method: clinical testing. Allele origin: germline.

ARUP Laboratories, Molecular Genetics and Genomics, ARUP Laboratories
Classification: Benign. Last evaluated: 2025-06-12. Review status: criteria provided, single submitter. Criteria: ARUP Molecular Germline Variant Investigation Process 2024. Collection method: clinical testing. Allele origin: germline.

Women's Health and Genetics/Laboratory Corporation of America, LabCorp
Classification: Benign. Last evaluated: 2023-07-21. Review status: criteria provided, single submitter. Criteria: LabCorp Variant Classification Summary - May 2015. Collection method: clinical testing. Allele origin: germline.

Mayo Clinic Laboratories, Mayo Clinic
Classification: Benign. Last evaluated: 2023-02-21. Review status: criteria provided, single submitter. Criteria: ACMG Guidelines, 2015. Collection method: clinical testing. Allele origin: germline. Observed: 11 variant alleles.
Comment: BS1, BS2, BP4, BP7

Genome-Nilou Lab
Classification: Benign for Adams-Oliver syndrome 5. Last evaluated: 2022-03-15. Review status: criteria provided, single submitter. Criteria: ACMG Guidelines, 2015. Collection method: clinical testing. Allele origin: germline. Affected: no.

Genome-Nilou Lab
Classification: Benign for Aortic valve disease 1. Last evaluated: 2022-03-15. Review status: criteria provided, single submitter. Criteria: ACMG Guidelines, 2015. Collection method: clinical testing. Allele origin: germline. Affected: no.

GeneDx
Classification: Benign. Last evaluated: 2016-12-19. Review status: criteria provided, single submitter. Criteria: GeneDx Variant Classification (06012015). Collection method: clinical testing. Allele origin: germline. Affected: yes.
Comment: This variant is considered likely benign or benign based on one or more of the following criteria: it is a conservative change, it occurs at a poorly conserved position in the protein, it is predicted to be benign by multiple in silico algorithms, and/or has population frequency not consistent with disease.

CHEO Genetics Diagnostic Laboratory, Children's Hospital of Eastern Ontario
Classification: Benign for Familial thoracic aortic aneurysm and aortic dissection. Last evaluated: 2016-11-30. Review status: criteria provided, single submitter. Criteria: ACMG Guidelines, 2015. Collection method: clinical testing. Allele origin: germline. Study: Canadian Open Genetics Repository.

Eurofins Ntd Llc (ga)
Classification: Benign. Last evaluated: 2015-05-22. Review status: criteria provided, single submitter. Criteria: EGL Classification Definitions 2015. Collection method: clinical testing. Allele origin: germline. Observed: 1 variant allele, 1 heterozygote.

PreventionGenetics, part of Exact Sciences
Classification: Benign for NOTCH1-related condition. Last evaluated: 2020-08-28. Review status: no assertion criteria provided. Collection method: clinical testing. Allele origin: germline. Not counted in ClinVar's aggregate classification.
Comment: This variant is classified as benign based on ACMG/AMP sequence variant interpretation guidelines (Richards et al. 2015 PMID: 25741868, with internal and published modifications).

Literature cited by the submitters: PubMed 16614245 (cited by Women's Health and Genetics/Laboratory Corporation of America, LabCorp); PubMed 19635999 (cited by Women's Health and Genetics/Laboratory Corporation of America, LabCorp); PubMed 19245433 (cited by Women's Health and Genetics/Laboratory Corporation of America, LabCorp); PubMed 22858860 (cited by Women's Health and Genetics/Laboratory Corporation of America, LabCorp).

NM_017617.5(NOTCH1):c.5168-10G>A

Gene: NOTCH1 (notch receptor 1; minus strand). Cytogenetic location: 9q34.3.
Variant type: single nucleotide variant.
Coding change: c.5168-10G>A on transcript NM_017617.5 (MANE Select); 10 bases into the intron before coding-DNA position 5168, G replaced by A.
Molecular consequence: intron variant.
Genome position (GRCh38, 1-based): chr9:136,502,498, C>T on the plus strand (G>A on the coding strand, the complement: NOTCH1 is on the minus strand). VCF-style: chr9-136502498-C-T. GRCh37 (hg19) VCF-style: chr9-139396950-C-T.
Other names: p.?; c.5168-10G>A (LRG_1122t1, NM_017617.4).
Identifiers: ClinVar variation 196140 (VCV000196140.22), dbSNP rs199903655, ClinGen allele CA202164.
Genomic context (GRCh38, chr9:136,502,498, plus strand): 5'-CCACGTACATGAAGTGCAGCTGCGCCGGCGGGGGCGGCTCCACGGTCTCACCTGCGGGCA[C>T]GGGGGCCAGGGGCAGGTGCCCGGACATCAGGCAGCGGCTACGCAGCAGGCTGGTGGCCGG-3'